The following is an entry in ClinVar:

NM_001378609.3(OTOGL):c.3514G>A (p.Asp1172Asn)

Gene: OTOGL (otogelin like; plus strand). Cytogenetic location: 12q21.31.
Variant type: single nucleotide variant.
Coding change: c.3514G>A on transcript NM_001378609.3 (MANE Select); coding-DNA position 3514, G replaced by A.
Protein change: p.Asp1172Asn; replaces aspartic acid 1172 with asparagine.
Molecular consequence: missense variant.
Genome position (GRCh38, 1-based): chr12:80,313,539, G>A. VCF-style: chr12-80313539-G-A. GRCh37 (hg19) VCF-style: chr12-80707319-G-A.
Other names: c.3379G>A, p.Asp1127Asn (NM_001368062.3); c.3514G>A, p.Asp1172Asn (NM_001378610.3, NM_173591.7); short protein forms D1127N, D1163N, D1172N.
Identifiers: ClinVar variation 1704945 (VCV001704945.7), dbSNP rs369298832, ClinGen allele CA6701108.

ClinVar aggregate classification (germline): Uncertain significance. Review status: criteria provided, multiple submitters, no conflicts (2 of 4 stars). 3 submissions from 3 submitters: Uncertain significance (3). Last evaluated 2025-12-02.

Conditions:
Inborn genetic diseases. Identifiers: MedGen C0950123, MeSH D030342.

Allele frequency attached by ClinVar (database versions not stated): ExAC 0.00001; gnomAD 0.00001; gnomAD exomes 0.00001; TOPMed 0.00002; ESP Exome Variant Server 0.00015.
gnomAD v4.1: 19 of 1,612,360 alleles (0.0012%); highest among the groups gnomAD compares: East Asian, 0.0022%; no homozygotes.

Submissions (3):

Ambry Genetics
Classification: Uncertain significance for Inborn genetic diseases. Last evaluated: 2025-12-02. Review status: criteria provided, single submitter. Criteria: Ambry Variant Classification Scheme 2023. Collection method: clinical testing. Allele origin: germline.

GeneDx
Classification: Uncertain significance. Last evaluated: 2022-09-06. Review status: criteria provided, single submitter. Criteria: GeneDx Variant Classification Process June 2021. Collection method: clinical testing. Allele origin: germline. Affected: yes.
Comment: Not observed at significant frequency in large population cohorts (gnomAD); In silico analysis supports that this missense variant has a deleterious effect on protein structure/function; Has not been previously published as pathogenic or benign to our knowledge

Labcorp Genetics (formerly Invitae), Labcorp
Classification: Uncertain significance. Last evaluated: 2022-06-14. Review status: criteria provided, single submitter. Criteria: Invitae Variant Classification Sherloc (09022015). Collection method: clinical testing. Allele origin: germline.
Comment: In summary, the available evidence is currently insufficient to determine the role of this variant in disease. Therefore, it has been classified as a Variant of Uncertain Significance. Algorithms developed to predict the effect of missense changes on protein structure and function are either unavailable or do not agree on the potential impact of this missense change (SIFT: "Deleterious"; PolyPhen-2: "Probably Damaging"; Align-GVGD: "Class C0"). This variant has not been reported in the literature in individuals affected with OTOGL-related conditions. This variant is present in population databases (rs369298832, gnomAD 0.0009%). This sequence change replaces aspartic acid, which is acidic and polar, with asparagine, which is neutral and polar, at codon 1163 of the OTOGL protein (p.Asp1163Asn).